The following is an entry in ClinVar:

ClinVar aggregate classification (germline): Uncertain significance (1 of 4 stars; one submission).

Submission:

Labcorp Genetics (formerly Invitae), Labcorp
Classification: Uncertain significance. Last evaluated: 2022-01-12. Review status: criteria provided, single submitter. Criteria: Invitae Variant Classification Sherloc (09022015). Collection method: clinical testing. Allele origin: germline.
Comment: In summary, the available evidence is currently insufficient to determine the role of this variant in disease. Therefore, it has been classified as a Variant of Uncertain Significance. This variant disrupts the p.Arg137 amino acid residue in NBAS. Other variant(s) that disrupt this residue have been determined to be pathogenic (PMID: 26286438, 26578240). This suggests that this residue is clinically significant, and that variants that disrupt this residue are likely to be disease-causing. Algorithms developed to predict the effect of missense changes on protein structure and function (SIFT, PolyPhen-2, Align-GVGD) all suggest that this variant is likely to be disruptive. This variant has not been reported in the literature in individuals affected with NBAS-related conditions. This variant is not present in population databases (gnomAD no frequency). This sequence change replaces arginine, which is basic and polar, with proline, which is neutral and non-polar, at codon 137 of the NBAS protein (p.Arg137Pro).

Literature cited by the submitters: PubMed 26286438; PubMed 26578240.

NM_015909.4(NBAS):c.410G>C (p.Arg137Pro)

Gene: NBAS (NBAS subunit of NRZ tethering complex; minus strand). Cytogenetic location: 2p24.3.
Variant type: single nucleotide variant.
Coding change: c.410G>C on transcript NM_015909.4 (MANE Select); coding-DNA position 410, G replaced by C.
Protein change: p.Arg137Pro; replaces arginine 137 with proline.
Molecular consequence: missense variant. On other transcripts: non-coding transcript variant (1).
Genome position (GRCh38, 1-based): chr2:15,539,326, C>G on the plus strand (G>C on the coding strand, the complement: NBAS is on the minus strand). VCF-style: chr2-15539326-C-G. GRCh37 (hg19) VCF-style: chr2-15679450-C-G.
Other names: short protein forms R137P.
Identifiers: ClinVar variation 2043604 (VCV002043604.4), dbSNP rs753745199, ClinGen allele CA345888298.